The following is an entry in ClinVar:

NM_201384.3(PLEC):c.7358C>G (p.Ala2453Gly)

Gene: PLEC (plectin; minus strand). Cytogenetic location: 8q24.3.
Variant type: single nucleotide variant.
Coding change: c.7358C>G on transcript NM_201384.3 (MANE Select); coding-DNA position 7358, C replaced by G.
Protein change: p.Ala2453Gly; replaces alanine 2453 with glycine.
Molecular consequence: missense variant. On other transcripts: intron variant (1).
Genome position (GRCh38, 1-based): chr8:143,922,571, G>C on the plus strand (C>G on the coding strand, the complement: PLEC is on the minus strand). VCF-style: chr8-143922571-G-C. GRCh37 (hg19) VCF-style: chr8-144996739-G-C.
Other names: c.7439C>G, p.Ala2480Gly (NM_000445.5); c.7316C>G, p.Ala2439Gly (NM_201378.4); c.7292C>G, p.Ala2431Gly (NM_201379.3); c.7769C>G, p.Ala2590Gly (NM_201380.4); c.7262C>G, p.Ala2421Gly (NM_201381.3); c.7358C>G, p.Ala2453Gly (NM_201382.4); c.7370C>G, p.Ala2457Gly (NM_201383.3); c.4126-176C>G (NM_001410941.1); short protein forms A2421G, A2439G, A2590G, A2453G, A2431G, A2457G, A2480G.
Identifiers: ClinVar variation 4785876 (VCV004785876.1).

ClinVar aggregate classification (germline): Uncertain significance (1 of 4 stars; one submission).

Conditions:
Epidermolysis bullosa simplex with nail dystrophy (EBS5D). Identifiers: MedGen C4225309, MONDO:0014661, OMIM 616487.
Epidermolysis bullosa simplex, Ogna type (EBS5A). Also called: EPIDERMOLYSIS BULLOSA SIMPLEX 5A, OGNA TYPE; Pidermolysis bullosa simplex 5A, Ogna type. Identifiers: Orphanet 79401, MedGen C0432317, MONDO:0007555, OMIM 131950.
Autosomal recessive limb-girdle muscular dystrophy type 2Q (LGMDR17). Also called: MUSCULAR DYSTROPHY, LIMB-GIRDLE, AUTOSOMAL RECESSIVE 17. Identifiers: Orphanet 254361, MedGen C3150989, MONDO:0013390, OMIM 613723.
Epidermolysis bullosa simplex 5B, with muscular dystrophy (EBS5B). Also called: EPIDERMOLYSIS BULLOSA SIMPLEX AND LIMB-GIRDLE MUSCULAR DYSTROPHY; Epidermolysis bullosa simplex with muscular dystrophy. Identifiers: Orphanet 257, MedGen C2931072, MONDO:0009181, OMIM 226670.
Epidermolysis bullosa simplex 5C, with pyloric atresia (EBS5C). Also called: PLEC-Related Epidermolysis Bullosa with Pyloric Atresia; Epidermolysis bullosa simplex with pyloric atresia; PLEC1-Related Epidermolysis Bullosa with Pyloric Atresia. Identifiers: Orphanet 158684, MedGen C2677349, MONDO:0012807, OMIM 612138.

gnomAD v4.1: 7 of 1,613,414 alleles (0.00043%); highest among the groups gnomAD compares: African/African-American, 0.0013%; no homozygotes.

Submission:

Labcorp Genetics (formerly Invitae), Labcorp
Classification: Uncertain significance for Autosomal recessive limb-girdle muscular dystrophy type 2Q; Epidermolysis bullosa simplex, Ogna type; Epidermolysis bullosa simplex with nail dystrophy; Epidermolysis bullosa simplex 5C, with pyloric atresia; Epidermolysis bullosa simplex 5B, with muscular dystrophy. Last evaluated: 2025-03-16. Review status: criteria provided, single submitter. Criteria: Invitae Variant Classification Sherloc (09022015). Collection method: clinical testing. Allele origin: germline.
Comment: This sequence change replaces alanine, which is neutral and non-polar, with glycine, which is neutral and non-polar, at codon 2480 of the PLEC protein (p.Ala2480Gly). This variant is present in population databases (rs782462440, gnomAD 0.008%). This variant has not been reported in the literature in individuals affected with PLEC-related conditions. An algorithm developed to predict the effect of missense changes on protein structure and function (PolyPhen-2) suggests that this variant is likely to be disruptive. In summary, the available evidence is currently insufficient to determine the role of this variant in disease. Therefore, it has been classified as a Variant of Uncertain Significance.